The following is an entry in ClinVar:

ClinVar aggregate classification (germline): Pathogenic/Likely pathogenic. Review status: criteria provided, multiple submitters, no conflicts (2 of 4 stars). 3 submissions from 3 submitters: Pathogenic (1); Likely pathogenic (2). Last evaluated 2022-06-09.

Conditions:
Familial cancer of breast. Also called: hereditary breast carcinoma; BREAST CANCER, FAMILIAL; Hereditary breast cancer. Identifiers: Orphanet 227535, MedGen C0346153, MONDO:0016419, OMIM 114480. Disease mechanism: loss of function.

Submissions (3):

Baylor Genetics
Classification: Likely pathogenic for Familial cancer of breast. Last evaluated: 2022-06-09. Review status: criteria provided, single submitter. Criteria: ACMG Guidelines, 2015. Collection method: clinical testing. Allele origin: unknown.

Labcorp Genetics (formerly Invitae), Labcorp
Classification: Likely pathogenic for Familial cancer of breast. Last evaluated: 2021-01-14. Review status: criteria provided, single submitter. Criteria: Invitae Variant Classification Sherloc (09022015). Collection method: clinical testing. Allele origin: germline.
Comment: In summary, the currently available evidence indicates that the variant is pathogenic, but additional data are needed to prove that conclusively. Therefore, this variant has been classified as Likely Pathogenic. Experimental studies have shown that this variant affects BARD1 protein function (PMID: 26350354, 29367421). This variant has been observed in individual(s) with breast cancer (PMID: 29367421). It has also been observed to segregate with disease in related individuals. ClinVar contains an entry for this variant (Variation ID: 978478). This variant is not present in population databases (ExAC no frequency). This sequence change replaces cysteine with tyrosine at codon 71 of the BARD1 protein (p.Cys71Tyr). The cysteine residue is highly conserved and there is a large physicochemical difference between cysteine and tyrosine.

King Laboratory, University of Washington
Classification: Pathogenic for Familial cancer of breast. Last evaluated: 2017-12-23. Review status: criteria provided, single submitter. Criteria: ACMG Guidelines, 2015. Collection method: clinical testing, in vitro. Allele origin: germline, not applicable. Inheritance: Autosomal dominant inheritance. Affected: yes. Functional consequence: effect on protein activity.
Comment: Cys71Tyr alters a critical cysteine in the RING domain of BARD1. The residue is completely conserved as cysteine in all sequenced species. The mutation is absent from public databases and co-segregates with breast cancer in one multiplex family. the mutation leads to loss of ubiquitylation of histone 2A on nucleosomes and to defective transcriptional regulation of genes of estrogen metabolism (Stewart 2018)

Literature cited by the submitters: PubMed 26350354 (cited by Labcorp Genetics (formerly Invitae), Labcorp); PubMed 29367421 (cited by Labcorp Genetics (formerly Invitae), Labcorp); DOI 10.1073/pnas.1715467115 (cited by King Laboratory, University of Washington).

NM_000465.4(BARD1):c.212G>A (p.Cys71Tyr)

Gene: BARD1 (BRCA1 associated RING domain 1; minus strand). Cytogenetic location: 2q35.
Variant type: single nucleotide variant.
Coding change: c.212G>A on transcript NM_000465.4 (MANE Select); coding-DNA position 212, G replaced by A.
Protein change: p.Cys71Tyr; replaces cysteine 71 with tyrosine.
Molecular consequence: missense variant. On other transcripts: non-coding transcript variant (2), intron variant (2).
Genome position (GRCh38, 1-based): chr2:214,797,064, C>T on the plus strand (G>A on the coding strand, the complement: BARD1 is on the minus strand). VCF-style: chr2-214797064-C-T. GRCh37 (hg19) VCF-style: chr2-215661788-C-T.
Other names: c.212G>A, p.Cys71Tyr (NM_001282545.2, NM_001282549.2); c.158+12348G>A (NM_001282548.2); c.159-4619G>A (NM_001282543.2); short protein forms C71Y.
Identifiers: ClinVar variation 978478 (VCV000978478.14), dbSNP rs1064793959, ClinGen allele CA350462134.